The following is an entry in ClinVar:

NM_152743.4(BRAT1):c.1685G>C (p.Arg562Pro)

Gene: BRAT1 (BRCA1 associated ATM activator 1; minus strand). Cytogenetic location: 7p22.3.
Variant type: single nucleotide variant.
Coding change: c.1685G>C on transcript NM_152743.4 (MANE Select); coding-DNA position 1685, G replaced by C.
Protein change: p.Arg562Pro; replaces arginine 562 with proline.
Molecular consequence: missense variant. On other transcripts: non-coding transcript variant (1).
Genome position (GRCh38, 1-based): chr7:2,539,264, C>G on the plus strand (G>C on the coding strand, the complement: BRAT1 is on the minus strand). VCF-style: chr7-2539264-C-G. GRCh37 (hg19) VCF-style: chr7-2578898-C-G.
Other names: c.1685G>C, p.Arg562Pro (NM_001350626.2); c.1160G>C, p.Arg387Pro (NM_001350627.2); short protein forms R387P, R562P.
Identifiers: ClinVar variation 2584412 (VCV002584412.1), dbSNP rs776341501, ClinGen allele CA366627251.
Genomic context (GRCh38, chr7:2,539,264, plus strand): 5'-CTGGTGGGGGCGTGCAGGCCCTGGCTGGACAGCTGCCCCATGGCGGTCACTGCACTCGCT[C>G]GGACATAACTCTCAGGGTCCTGGAGGAGCTGCAGGGCCAGCTGAGGCACCTCTGAAGCCA-3'
Protein context (NP_689956.2, residues 552-572): QLLQDPESYV[Arg562Pro]ASAVTAMGQL

ClinVar aggregate classification (germline): Likely pathogenic (1 of 4 stars; one submission).

Conditions:
BRAT1-related disorder. Also called: BRAT1-related condition; BRAT1-related disorders.

gnomAD v4.1: 10 of 1,611,828 alleles (0.00062%); highest among the groups gnomAD compares: Non-Finnish European, 0.00076%; no homozygotes.

Submission:

Rady Children's Institute for Genomic Medicine, Rady Children's Hospital San Diego
Classification: Likely pathogenic for BRAT1-Related Disorders. Review status: criteria provided, single submitter. Criteria: ACMG Guidelines, 2015. Collection method: clinical testing. Allele origin: germline. Affected: yes.
Comment: This variant has not been previously reported or functionally characterized in the literature to our knowledge. It is present in the heterozygous state in the gnomAD population database at a frequency of 0.00041% (1/246790) and thus is presumed to be rare. The c.1685G>C (p.Arg562Pro) variant affects a highly conserved amino acid and is predicted by multiple in silico tools to have a deleterious effect on protein function. Based on the available evidence, the c.1685G>C (p.Arg562Pro) variant is classified as Likely Pathogenic.